The following is an entry in ClinVar:

ClinVar aggregate classification (germline): Uncertain significance (1 of 4 stars; one submission).

Conditions:
Early-infantile DEE. Also called: Early infantile epileptic encephalopathy; Early infantile epileptic encephalopathy with suppression bursts; Ohtahara syndrome. Identifiers: Orphanet 1934, MedGen C0393706, MONDO:0800491.

Allele frequency attached by ClinVar (database versions not stated): gnomAD exomes below 0.00001.
gnomAD v4.1: 1 of 1,509,464 alleles (0.000066%); highest among the groups gnomAD compares: South Asian, 0.0014%; no homozygotes.

Submission:

Labcorp Genetics (formerly Invitae), Labcorp
Classification: Uncertain significance for Early-infantile DEE. Last evaluated: 2025-10-21. Review status: criteria provided, single submitter. Criteria: Invitae Variant Classification Sherloc (09022015). Collection method: clinical testing. Allele origin: germline.
Comment: This sequence change falls in intron 11 of the SCN8A gene. It does not directly change the encoded amino acid sequence of the SCN8A protein. It affects a nucleotide within the consensus splice site. This variant is not present in population databases (gnomAD no frequency). This variant has not been reported in the literature in individuals affected with SCN8A-related conditions. ClinVar contains an entry for this variant (Variation ID: 2720681). Variants that disrupt the consensus splice site are a relatively common cause of aberrant splicing (PMID: 17576681, 9536098). Algorithms developed to predict the effect of sequence changes on RNA splicing suggest that this variant is not likely to affect RNA splicing. In summary, the available evidence is currently insufficient to determine the role of this variant in disease. Therefore, it has been classified as a Variant of Uncertain Significance.

Literature cited by the submitters: PubMed 17576681; PubMed 9536098.

NM_001330260.2(SCN8A):c.1635+5A>T

Gene: SCN8A (sodium voltage-gated channel alpha subunit 8; plus strand). Cytogenetic location: 12q13.13.
Variant type: single nucleotide variant.
Coding change: c.1635+5A>T on transcript NM_001330260.2 (MANE Select); 5 bases into the intron after coding-DNA position 1635, A replaced by T.
Molecular consequence: intron variant.
Genome position (GRCh38, 1-based): chr12:51,706,720, A>T. VCF-style: chr12-51706720-A-T. GRCh37 (hg19) VCF-style: chr12-52100504-A-T.
Other names: c.1635+5A>T (NM_014191.4, NM_001177984.3, NM_001369788.1).
Identifiers: ClinVar variation 2720681 (VCV002720681.3), dbSNP rs2540186556, ClinGen allele CA2618838759.